The following is an entry in ClinVar:

ClinVar aggregate classification (germline): Conflicting classifications of pathogenicity. Review status: criteria provided, conflicting classifications (1 of 4 stars). 3 submissions from 3 submitters: Uncertain significance (1); Benign (1); Likely benign (1). Last evaluated 2025-05-22.

Conditions:
Schuurs-Hoeijmakers syndrome. Also called: PACS1-Related Neurodevelopmental Disorder. Identifiers: Orphanet 329224, MedGen C3554343, MONDO:0014006, OMIM 615009.
Inborn genetic diseases. Identifiers: MedGen C0950123, MeSH D030342.

Allele frequency attached by ClinVar (database versions not stated): gnomAD exomes below 0.00001; TOPMed 0.00003; gnomAD 0.00002.
gnomAD v4.1: 10 of 1,614,084 alleles (0.00062%); highest among the groups gnomAD compares: Non-Finnish European, 0.00085%; 1 homozygote.

Submissions (3):

Labcorp Genetics (formerly Invitae), Labcorp
Classification: Benign for Schuurs-Hoeijmakers syndrome. Last evaluated: 2025-05-22. Review status: criteria provided, single submitter. Criteria: Invitae Variant Classification Sherloc (09022015). Collection method: clinical testing. Allele origin: germline.

Ambry Genetics
Classification: Likely benign for Inborn genetic diseases. Last evaluated: 2024-10-09. Review status: criteria provided, single submitter. Criteria: Ambry Variant Classification Scheme 2023. Collection method: clinical testing. Allele origin: germline.

Women's Health and Genetics/Laboratory Corporation of America, LabCorp
Classification: Uncertain significance. Last evaluated: 2024-05-16. Review status: criteria provided, single submitter. Criteria: LabCorp Variant Classification Summary - May 2015. Collection method: clinical testing. Allele origin: germline.
Comment: Variant summary: PACS1 c.1523A>G (p.Lys508Arg) results in a conservative amino acid change in the encoded protein sequence. Three of five in-silico tools predict a benign effect of the variant on protein function. The variant allele was found at a frequency of 4e-06 in 249926 control chromosomes. The available data on variant occurrences in the general population are insufficient to allow any conclusion about variant significance. To our knowledge, no occurrence of c.1523A>G in individuals affected with Schuurs-Hoeijmakers Syndrome and no experimental evidence demonstrating its impact on protein function have been reported. ClinVar contains an entry for this variant (Variation ID: 2861275). Based on the evidence outlined above, the variant was classified as uncertain significance.

NM_018026.4(PACS1):c.1523A>G (p.Lys508Arg)

Gene: PACS1 (phosphofurin acidic cluster sorting protein 1; plus strand). Cytogenetic location: 11q13.2.
Variant type: single nucleotide variant.
Coding change: c.1523A>G on transcript NM_018026.4 (MANE Select); coding-DNA position 1523, A replaced by G.
Protein change: p.Lys508Arg; replaces lysine 508 with arginine.
Molecular consequence: missense variant.
Genome position (GRCh38, 1-based): chr11:66,230,837, A>G. VCF-style: chr11-66230837-A-G. GRCh37 (hg19) VCF-style: chr11-65998308-A-G.
Other names: c.1523A>G (NM_018026.2); short protein forms K508R.
Identifiers: ClinVar variation 2861275 (VCV002861275.5), dbSNP rs1406197729, ClinGen allele CA381367186.